The following is an entry in ClinVar:

ClinVar aggregate classification (germline): Likely benign (1 of 4 stars; one submission).

gnomAD v4.1: 3 of 1,613,872 alleles (0.00019%); highest among the groups gnomAD compares: Non-Finnish European, 0.00025%; no homozygotes.

Submission:

CeGaT Center for Human Genetics Tuebingen
Classification: Likely benign. Last evaluated: 2026-03-01. Review status: criteria provided, single submitter. Criteria: CeGaT Center For Human Genetics Tuebingen Variant Classification Criteria Version 2. Collection method: clinical testing. Allele origin: germline. Affected: yes. Observed: 1 variant allele.
Comment: ARID1B: BP4

NM_001374828.1(ARID1B):c.2102C>A (p.Pro701Gln)

Gene: ARID1B (AT-rich interaction domain 1B; plus strand). Cytogenetic location: 6q25.3.
Variant type: single nucleotide variant.
Coding change: c.2102C>A on transcript NM_001374828.1 (MANE Select); coding-DNA position 2102, C replaced by A.
Protein change: p.Pro701Gln; replaces proline 701 with glutamine.
Molecular consequence: missense variant.
Genome position (GRCh38, 1-based): chr6:156,901,491, C>A. VCF-style: chr6-156901491-C-A. GRCh37 (hg19) VCF-style: chr6-157222625-C-A.
Other names: c.2141C>A, p.Pro714Gln (NM_001371656.1, NM_001374820.1); c.2102C>A, p.Pro701Gln (NM_001438482.1, NM_001438483.1, NM_001438485.1 and 7 more transcripts); short protein forms P701Q, P714Q.
Identifiers: ClinVar variation 4822572 (VCV004822572.4).